The following is an entry in ClinVar:

ClinVar aggregate classification (germline): Uncertain significance. Review status: criteria provided, multiple submitters, no conflicts (2 of 4 stars). 2 submissions from 2 submitters: Uncertain significance (2). Last evaluated 2026-02-10.

Conditions:
PLEC-related disorder. Also called: PLEC-related condition; PLEC-related disorders.
Epidermolysis bullosa simplex, Ogna type (EBS5A). Also called: EPIDERMOLYSIS BULLOSA SIMPLEX 5A, OGNA TYPE; Pidermolysis bullosa simplex 5A, Ogna type. Identifiers: Orphanet 79401, MedGen C0432317, MONDO:0007555, OMIM 131950.
Epidermolysis bullosa simplex 5C, with pyloric atresia (EBS5C). Also called: PLEC1-Related Epidermolysis Bullosa with Pyloric Atresia; PLEC-Related Epidermolysis Bullosa with Pyloric Atresia; Epidermolysis bullosa simplex with pyloric atresia. Identifiers: Orphanet 158684, MedGen C2677349, MONDO:0012807, OMIM 612138.
Autosomal recessive limb-girdle muscular dystrophy type 2Q (LGMDR17). Also called: MUSCULAR DYSTROPHY, LIMB-GIRDLE, AUTOSOMAL RECESSIVE 17. Identifiers: Orphanet 254361, MedGen C3150989, MONDO:0013390, OMIM 613723.
Epidermolysis bullosa simplex 5B, with muscular dystrophy (EBS5B). Also called: EPIDERMOLYSIS BULLOSA SIMPLEX AND LIMB-GIRDLE MUSCULAR DYSTROPHY; Epidermolysis bullosa simplex with muscular dystrophy. Identifiers: Orphanet 257, MedGen C2931072, MONDO:0009181, OMIM 226670.
Epidermolysis bullosa simplex with nail dystrophy (EBS5D). Identifiers: MedGen C4225309, MONDO:0014661, OMIM 616487.

Allele frequency attached by ClinVar (database versions not stated): gnomAD exomes below 0.00001.
gnomAD v4.1: 6 of 1,596,218 alleles (0.00038%); highest among the groups gnomAD compares: Non-Finnish European, 0.00043%; no homozygotes.

Submissions (2):

PreventionGenetics, part of Exact Sciences
Classification: Uncertain significance for PLEC-related condition. Last evaluated: 2026-02-10. Review status: criteria provided, single submitter. Criteria: ACMG Guidelines, 2015. Collection method: clinical testing. Allele origin: germline.
Comment: The PLEC c.6492G>T variant is predicted to result in the amino acid substitution p.Lys2164Asn. To our knowledge, this variant has not been reported in the literature or in a large population database (gnomAD), indicating this variant is rare. At this time, the clinical significance of this variant is uncertain due to the absence of conclusive functional and genetic evidence.

Labcorp Genetics (formerly Invitae), Labcorp
Classification: Uncertain significance for Autosomal recessive limb-girdle muscular dystrophy type 2Q; Epidermolysis bullosa simplex, Ogna type; Epidermolysis bullosa simplex with nail dystrophy; Epidermolysis bullosa simplex 5C, with pyloric atresia; Epidermolysis bullosa simplex 5B, with muscular dystrophy. Last evaluated: 2024-05-06. Review status: criteria provided, single submitter. Criteria: Invitae Variant Classification Sherloc (09022015). Collection method: clinical testing. Allele origin: germline.
Comment: This sequence change replaces lysine, which is basic and polar, with asparagine, which is neutral and polar, at codon 2164 of the PLEC protein (p.Lys2164Asn). This variant is not present in population databases (gnomAD no frequency). This variant has not been reported in the literature in individuals affected with PLEC-related conditions. ClinVar contains an entry for this variant (Variation ID: 2043230). An algorithm developed to predict the effect of missense changes on protein structure and function (PolyPhen-2) suggests that this variant is likely to be tolerated. In summary, the available evidence is currently insufficient to determine the role of this variant in disease. Therefore, it has been classified as a Variant of Uncertain Significance.

NM_201384.3(PLEC):c.6411G>T (p.Lys2137Asn)

Gene: PLEC (plectin; minus strand). Cytogenetic location: 8q24.3.
Variant type: single nucleotide variant.
Coding change: c.6411G>T on transcript NM_201384.3 (MANE Select); coding-DNA position 6411, G replaced by T.
Protein change: p.Lys2137Asn; replaces lysine 2137 with asparagine.
Molecular consequence: missense variant.
Genome position (GRCh38, 1-based): chr8:143,923,518, C>A on the plus strand (G>T on the coding strand, the complement: PLEC is on the minus strand). VCF-style: chr8-143923518-C-A. GRCh37 (hg19) VCF-style: chr8-144997686-C-A.
Other names: c.6492G>T (NM_000445.4); c.6492G>T, p.Lys2164Asn (NM_000445.5); c.6369G>T, p.Lys2123Asn (NM_201378.4); c.6345G>T, p.Lys2115Asn (NM_201379.3); c.6822G>T, p.Lys2274Asn (NM_201380.4); c.6315G>T, p.Lys2105Asn (NM_201381.3); c.6411G>T, p.Lys2137Asn (NM_201382.4); c.6423G>T, p.Lys2141Asn (NM_201383.3); short protein forms K2137N, K2164N, K2115N, K2141N, K2274N, K2123N, K2105N.
Identifiers: ClinVar variation 2043230 (VCV002043230.5), dbSNP rs1823687600, ClinGen allele CA372534683.